The following is an entry in ClinVar:

NM_001377299.1(NDUFS2):c.95+9G>C

Genes: NDUFS2 (NADH:ubiquinone oxidoreductase core subunit S2; plus strand), LOC129931761 (ATAC-STARR-seq lymphoblastoid active region 1985; plus strand). Cytogenetic location: 1q23.3.
Variant type: single nucleotide variant.
Coding change: c.95+9G>C on transcript NM_001377299.1 (MANE Select); 9 bases into the intron after coding-DNA position 95, G replaced by C.
Molecular consequence: intron variant.
Genome position (GRCh38, 1-based): chr1:161,202,489, G>C. VCF-style: chr1-161202489-G-C. GRCh37 (hg19) VCF-style: chr1-161172279-G-C.
Other names: c.95+9G>C (NM_001377300.1, NM_001377298.1, NM_001377301.1 and 3 more transcripts).
Identifiers: ClinVar variation 214790 (VCV000214790.14), dbSNP rs377100925, ClinGen allele CA323224.

ClinVar aggregate classification (germline): Benign/Likely benign. Review status: criteria provided, multiple submitters, no conflicts (2 of 4 stars). 6 submissions from 6 submitters: Benign (2); Likely benign (4). Last evaluated 2025-08-18.

Conditions:
Mitochondrial complex I deficiency, nuclear type 6. Also called: Mitochondrial complex 1 deficiency, nuclear type 6. Identifiers: MedGen C4748759, MONDO:0032611, OMIM 618228.

Allele frequency attached by ClinVar (database versions not stated): gnomAD 0.00006; TOPMed 0.00006.
gnomAD v4.1: 160 of 1,607,406 alleles (0.01%); highest among the groups gnomAD compares: Middle Eastern, 0.55%; 2 homozygotes.

Submissions (6):

Genomic Medicine Center of Excellence, King Faisal Specialist Hospital and Research Centre
Classification: Likely benign. Last evaluated: 2025-08-18. Review status: criteria provided, single submitter. Criteria: ACMG Guidelines, 2015. Collection method: clinical testing. Allele origin: germline.

Labcorp Genetics (formerly Invitae), Labcorp
Classification: Likely benign. Last evaluated: 2024-12-04. Review status: criteria provided, single submitter. Criteria: Invitae Variant Classification Sherloc (09022015). Collection method: clinical testing. Allele origin: germline.

Blueprint Genetics
Classification: Likely benign. Last evaluated: 2024-11-25. Review status: criteria provided, single submitter. Criteria: ACMG Guidelines, 2015. Collection method: clinical testing. Allele origin: germline.

Genome-Nilou Lab
Classification: Benign for Mitochondrial complex I deficiency, nuclear type 6. Last evaluated: 2023-04-11. Review status: criteria provided, single submitter. Criteria: ACMG Guidelines, 2015. Collection method: clinical testing. Allele origin: germline. Affected: no.

GeneDx
Classification: Benign. Last evaluated: 2015-01-27. Review status: criteria provided, single submitter. Criteria: GeneDx Variant Classification (06012015). Collection method: clinical testing. Allele origin: germline. Affected: yes.
Comment: This variant is considered likely benign or benign based on one or more of the following criteria: it is a conservative change, it occurs at a poorly conserved position in the protein, it is predicted to be benign by multiple in silico algorithms, and/or has population frequency not consistent with disease.

Breakthrough Genomics
Classification: Likely benign. Review status: criteria provided, single submitter. Criteria: ACMG Guidelines, 2015. Collection method: not provided. Allele origin: germline. Inheritance: Autosomal recessive inheritance. Affected: yes.